The following is an entry in ClinVar:

NM_002472.3(MYH8):c.2234C>T (p.Ser745Phe)

Genes: MYHAS (myosin heavy chain gene cluster antisense RNA; plus strand), MYH8 (myosin heavy chain 8; minus strand). Cytogenetic location: 17p13.1.
Variant type: single nucleotide variant.
Coding change: c.2234C>T on transcript NM_002472.3 (MANE Select); coding-DNA position 2234, C replaced by T.
Protein change: p.Ser745Phe; replaces serine 745 with phenylalanine.
Molecular consequence: missense variant.
Genome position (GRCh38, 1-based): chr17:10,406,335, G>A on the plus strand (C>T on the coding strand, the complement: MYH8 is on the minus strand). VCF-style: chr17-10406335-G-A. GRCh37 (hg19) VCF-style: chr17-10309652-G-A.
Other names: short protein forms S745F.
Identifiers: ClinVar variation 451725 (VCV000451725.2), dbSNP rs1555556803, ClinGen allele CA398118864.

ClinVar aggregate classification (germline): Uncertain significance (1 of 4 stars; one submission).

Submission:

GeneDx
Classification: Uncertain significance. Last evaluated: 2018-05-16. Review status: criteria provided, single submitter. Criteria: GeneDx Variant Classification (06012015). Collection method: clinical testing. Allele origin: germline. Affected: yes.
Comment: The S745F variant in the MYH8 gene has not been reported previously as a pathogenic variant, nor as a benign variant, to our knowledge. This variant is not observed in large population cohorts (Lek et al., 2016; 1000 Genomes Consortium et al., 2015; Exome Variant Server). The S745F variant is a non-conservative amino acid substitution, which is likely to impact secondary protein structure as these residues differ in polarity, charge, size and/or other properties. This substitution occurs at a position that is conserved in mammals. In silico analysis predicts this variant is probably damaging to the protein structure/function. We interpret S745F as a variant of uncertain significance.